The following is an entry in ClinVar:

ClinVar aggregate classification (germline): Uncertain significance (1 of 4 stars; one submission).

Conditions:
Hereditary cancer-predisposing syndrome. Also called: Neoplastic Syndromes, Hereditary; Tumor predisposition; Hereditary Cancer Syndrome; Hereditary neoplastic syndrome. Identifiers: Orphanet 140162, MedGen C0027672, MeSH D009386, MONDO:0015356.

Submission:

Ambry Genetics
Classification: Uncertain significance for Hereditary cancer-predisposing syndrome. Last evaluated: 2022-08-09. Review status: criteria provided, single submitter. Criteria: Ambry Variant Classification Scheme 2023. Collection method: clinical testing. Allele origin: germline.
Comment: The p.Y98S variant (also known as c.293A>C), located in coding exon 4 of the RAD51D gene, results from an A to C substitution at nucleotide position 293. The tyrosine at codon 98 is replaced by serine, an amino acid with dissimilar properties. This amino acid position is conserved. In addition, this alteration is predicted to be deleterious by in silico analysis. Since supporting evidence is limited at this time, the clinical significance of this alteration remains unclear.

NM_002878.4(RAD51D):c.293A>C (p.Tyr98Ser)

Genes: RAD51L3-RFFL (RAD51L3-RFFL readthrough; minus strand), RAD51D (RAD51 paralog D; minus strand). Cytogenetic location: 17q12.
Variant type: single nucleotide variant.
Coding change: c.293A>C on transcript NM_002878.4 (MANE Select); coding-DNA position 293, A replaced by C.
Protein change: p.Tyr98Ser; replaces tyrosine 98 with serine.
Molecular consequence: missense variant. On other transcripts: non-coding transcript variant (2), intron variant (1).
Genome position (GRCh38, 1-based): chr17:35,107,418, T>G on the plus strand (A>C on the coding strand, the complement: RAD51D is on the minus strand). VCF-style: chr17-35107418-T-G. GRCh37 (hg19) VCF-style: chr17-33434437-T-G.
Other names: c.353A>C, p.Tyr118Ser (NM_001142571.2); c.145-937A>C (NM_133629.3); short protein forms Y118S, Y98S.
Identifiers: ClinVar variation 1797887 (VCV001797887.2), dbSNP rs770147648, ClinGen allele CA399089979.
Genomic context (GRCh38, chr17:35,107,418, plus strand): 5'-ACATGTACCTGAGTTTTGCCGCTACCTGGGCCTCCTACAATTTCAGTCACTTCTCCAGTA[T>G]AGAGACCAGCATCAAGCAGTTTATCAAGACTGATGGCAGAAGAGAAGAAAATCAACACAA-3'
Protein context (NP_002869.3, residues 88-108): SLDKLLDAGL[Tyr98Ser]TGEVTEIVGG